The following is an entry in ClinVar:

NM_001277115.2(DNAH11):c.7441-10C>G

Gene: DNAH11 (dynein axonemal heavy chain 11; plus strand). Cytogenetic location: 7p15.3.
Variant type: single nucleotide variant.
Coding change: c.7441-10C>G on transcript NM_001277115.2 (MANE Select); 10 bases into the intron before coding-DNA position 7441, C replaced by G.
Molecular consequence: intron variant.
Genome position (GRCh38, 1-based): chr7:21,735,630, C>G. VCF-style: chr7-21735630-C-G. GRCh37 (hg19) VCF-style: chr7-21775248-C-G.
Identifiers: ClinVar variation 416412 (VCV000416412.15), dbSNP rs368901468, ClinGen allele CA4181229.
Genomic context (GRCh38, chr7:21,735,630, plus strand): 5'-GGAATGCCTCTCTCTCGCACGCACTCTCTCTCTCTTTCTGATCTTTGTCTCATTCTGTTT[C>G]TCCTCCCAGACAGTTCTCGTTCACACAACAGAGACAGCTCGTCTTAGATATTTCATGGAG-3'

ClinVar aggregate classification (germline): Likely benign. Review status: criteria provided, multiple submitters, no conflicts (2 of 4 stars). 4 submissions from 4 submitters: Likely benign (4). Last evaluated 2026-01-18.

Conditions:
Primary ciliary dyskinesia. Also called: Ciliary dyskinesia. Identifiers: Orphanet 244, MedGen C0008780, MONDO:0016575, HP:0012265.
Primary ciliary dyskinesia 7. Also called: CILIARY DYSKINESIA, PRIMARY, 7, WITH OR WITHOUT SITUS INVERSUS. Identifiers: Orphanet 244, MedGen C2678473, MONDO:0012748, OMIM 611884.

Allele frequency attached by ClinVar (database versions not stated): 1000 Genomes Project 30x 0.00016; 1000 Genomes Project 0.00020; gnomAD 0.00031 and 0.00034; gnomAD exomes 0.00035 and 0.00074; TOPMed 0.00036; ExAC 0.00039; ESP Exome Variant Server 0.00059.
gnomAD v4.1: 1,081 of 1,565,888 alleles (0.069%); highest among the groups gnomAD compares: Non-Finnish European, 0.088%; 1 homozygote.

Submissions (4):

Labcorp Genetics (formerly Invitae), Labcorp
Classification: Likely benign for Primary ciliary dyskinesia. Last evaluated: 2026-01-18. Review status: criteria provided, single submitter. Criteria: Invitae Variant Classification Sherloc (09022015). Collection method: clinical testing. Allele origin: germline.

ARUP Laboratories, Molecular Genetics and Genomics, ARUP Laboratories
Classification: Likely benign for Primary ciliary dyskinesia 7. Last evaluated: 2025-07-02. Review status: criteria provided, single submitter. Criteria: ARUP Molecular Germline Variant Investigation Process 2024. Collection method: clinical testing. Allele origin: germline.

Blueprint Genetics
Classification: Likely benign. Last evaluated: 2024-09-03. Review status: criteria provided, single submitter. Criteria: ACMG Guidelines, 2015. Collection method: clinical testing. Allele origin: germline.

GeneDx
Classification: Likely benign. Last evaluated: 2020-10-21. Review status: criteria provided, single submitter. Criteria: GeneDx Variant Classification Process June 2021. Collection method: clinical testing. Allele origin: germline. Affected: yes.
Comment: See Variant Classification Assertion Criteria.